The following is an entry in ClinVar:

ClinVar aggregate classification (germline): Likely benign (1 of 4 stars; one submission).

Conditions:
HSD3B7-related disorder. Also called: HSD3B7-related condition.

Submission:

PreventionGenetics, part of Exact Sciences
Classification: Likely benign for HSD3B7-related condition. Last evaluated: 2024-12-20. Review status: criteria provided, single submitter. Criteria: ACMG Guidelines, 2015. Collection method: clinical testing. Allele origin: germline.
Comment: This variant is classified as likely benign based on ACMG/AMP sequence variant interpretation guidelines (Richards et al. 2015 PMID: 25741868, with internal and published modifications).

NM_025193.4(HSD3B7):c.6C>T (p.Ala2=)

Gene: HSD3B7 (hydroxy-delta-5-steroid dehydrogenase, 3 beta- and steroid delta-isomerase 7; plus strand). Cytogenetic location: 16p11.2.
Variant type: single nucleotide variant.
Coding change: c.6C>T on transcript NM_025193.4 (MANE Select); coding-DNA position 6, C replaced by T.
Protein change: p.Ala2=; no amino-acid change (alanine 2 retained).
Molecular consequence: synonymous variant.
Genome position (GRCh38, 1-based): chr16:30,985,664, C>T. VCF-style: chr16-30985664-C-T. GRCh37 (hg19) VCF-style: chr16-30996985-C-T.
Other names: c.6C>T, p.Ala2= (NM_001142777.2, NM_001142778.2).
Identifiers: ClinVar variation 4988899 (VCV004988899.1).